The following is an entry in ClinVar:

NM_015631.6(TCTN3):c.1575G>A (p.Gln525=)

Gene: TCTN3 (tectonic family member 3; minus strand). Cytogenetic location: 10q24.1.
Variant type: single nucleotide variant.
Coding change: c.1575G>A on transcript NM_015631.6 (MANE Select); coding-DNA position 1575, G replaced by A.
Protein change: p.Gln525=; no amino-acid change (glutamine 525 retained).
Molecular consequence: synonymous variant.
Genome position (GRCh38, 1-based): chr10:95,680,487, C>T on the plus strand (G>A on the coding strand, the complement: TCTN3 is on the minus strand). VCF-style: chr10-95680487-C-T. GRCh37 (hg19) VCF-style: chr10-97440244-C-T.
Other names: c.1131G>A, p.Gln377= (NM_001143973.2).
Identifiers: ClinVar variation 391622 (VCV000391622.12), dbSNP rs768137956, ClinGen allele CA5620789.

ClinVar aggregate classification (germline): Likely benign. Review status: criteria provided, multiple submitters, no conflicts (2 of 4 stars). 4 submissions from 4 submitters: Likely benign (4). Last evaluated 2026-07-23.

Conditions:
TCTN3-related disorder. Also called: TCTN3-related condition.
Joubert syndrome 18 (JBTS18). Identifiers: Orphanet 2754, MedGen C3553758, MONDO:0013896, OMIM 614815.
Orofacial-digital syndrome IV (OFD4). Also called: BARAITSER-BURN SYNDROME; OFD SYNDROME WITH TIBIAL DEFECTS; OFD SYNDROME, BARAITSER-BURN TYPE; OFDS IV; ORAL-FACIAL-DIGITAL SYNDROME, TYPE IV; Orofaciodigital syndrome IV. Identifiers: Orphanet 2753, MedGen C0406727, MONDO:0009794, OMIM 258860.

Allele frequency attached by ClinVar (database versions not stated): gnomAD 0.00012 and 0.00013; TOPMed 0.00015.
gnomAD v4.1: 242 of 1,613,784 alleles (0.015%); highest among the groups gnomAD compares: Non-Finnish European, 0.019%; no homozygotes.

Submissions (4):

PreventionGenetics, part of Exact Sciences
Classification: Likely benign for TCTN3-related condition. Last evaluated: 2026-07-23. Review status: criteria provided, single submitter. Criteria: ACMG Guidelines, 2015. Collection method: clinical testing. Allele origin: germline.
Comment: This variant is classified as likely benign based on ACMG/AMP sequence variant interpretation guidelines (Richards et al. 2015 PMID: 25741868, with internal and published modifications).

Labcorp Genetics (formerly Invitae), Labcorp
Classification: Likely benign for Joubert syndrome 18; Orofacial-digital syndrome IV. Last evaluated: 2026-01-04. Review status: criteria provided, single submitter. Criteria: Invitae Variant Classification Sherloc (09022015). Collection method: clinical testing. Allele origin: germline.

Blueprint Genetics
Classification: Likely benign. Last evaluated: 2024-11-21. Review status: criteria provided, single submitter. Criteria: ACMG Guidelines, 2015. Collection method: clinical testing. Allele origin: germline.

GeneDx
Classification: Likely benign. Last evaluated: 2016-12-16. Review status: criteria provided, single submitter. Criteria: GeneDx Variant Classification (06012015). Collection method: clinical testing. Allele origin: germline. Affected: yes.
Comment: This variant is considered likely benign or benign based on one or more of the following criteria: it is a conservative change, it occurs at a poorly conserved position in the protein, it is predicted to be benign by multiple in silico algorithms, and/or has population frequency not consistent with disease.